The following is an entry in ClinVar:

ClinVar aggregate classification (germline): Uncertain significance (1 of 4 stars; one submission).

Conditions:
Inborn genetic diseases. Identifiers: MedGen C0950123, MeSH D030342.

Submission:

Ambry Genetics
Classification: Uncertain significance for Inborn genetic diseases. Last evaluated: 2025-05-24. Review status: criteria provided, single submitter. Criteria: Ambry Variant Classification Scheme 2023. Collection method: clinical testing. Allele origin: germline.
Comment: The p.R536K variant (also known as c.1607G>A), located in coding exon 1 of the SAMD9 gene, results from a G to A substitution at nucleotide position 1607. The arginine at codon 536 is replaced by lysine, an amino acid with highly similar properties. This amino acid position is conserved. In addition, this alteration is predicted to be tolerated by in silico analysis. Based on the available evidence, the clinical significance of this variant remains unclear.

NM_017654.4(SAMD9):c.1607G>A (p.Arg536Lys)

Gene: SAMD9 (sterile alpha motif domain containing 9; minus strand). Cytogenetic location: 7q21.2.
Variant type: single nucleotide variant.
Coding change: c.1607G>A on transcript NM_017654.4 (MANE Select); coding-DNA position 1607, G replaced by A.
Protein change: p.Arg536Lys; replaces arginine 536 with lysine.
Molecular consequence: missense variant.
Genome position (GRCh38, 1-based): chr7:93,104,491, C>T on the plus strand (G>A on the coding strand, the complement: SAMD9 is on the minus strand). VCF-style: chr7-93104491-C-T. GRCh37 (hg19) VCF-style: chr7-92733804-C-T.
Other names: c.1607G>A, p.Arg536Lys (NM_001193307.2); short protein forms R536K.
Identifiers: ClinVar variation 3949668 (VCV003949668.1).